The following is an entry in ClinVar:

NM_016219.5(MAN1B1):c.1286A>G (p.His429Arg)

Gene: MAN1B1 (mannosidase alpha class 1B member 1; plus strand). Cytogenetic location: 9q34.3.
Variant type: single nucleotide variant.
Coding change: c.1286A>G on transcript NM_016219.5 (MANE Select); coding-DNA position 1286, A replaced by G.
Protein change: p.His429Arg; replaces histidine 429 with arginine.
Molecular consequence: missense variant. On other transcripts: non-coding transcript variant (2).
Genome position (GRCh38, 1-based): chr9:137,106,156, A>G. VCF-style: chr9-137106156-A-G. GRCh37 (hg19) VCF-style: chr9-140000608-A-G.
Other names: c.1178A>G, p.His393Arg (NM_007230.1); short protein forms H393R, H429R.
Identifiers: ClinVar variation 1768969 (VCV001768969.2), dbSNP rs144289532, ClinGen allele CA5359172.

ClinVar aggregate classification (germline): Uncertain significance (1 of 4 stars; one submission).

Conditions:
Inborn genetic diseases. Identifiers: MedGen C0950123, MeSH D030342.

Allele frequency attached by ClinVar (database versions not stated): TOPMed 0.00004; ExAC 0.00005; gnomAD 0.00005; gnomAD exomes 0.00005; ESP Exome Variant Server 0.00015.

Submission:

Ambry Genetics
Classification: Uncertain significance for Inborn genetic diseases. Last evaluated: 2017-11-29. Review status: criteria provided, single submitter. Criteria: Ambry Variant Classification Scheme 2023. Collection method: clinical testing. Allele origin: germline.
Comment: The p.H429R variant (also known as c.1286A>G), located in coding exon 9 of the MAN1B1 gene, results from an A to G substitution at nucleotide position 1286. The histidine at codon 429 is replaced by arginine, an amino acid with highly similar properties. This amino acid position is well conserved in available vertebrate species. In addition, this alteration is predicted to be tolerated by in silico analysis. Since supporting evidence is limited at this time, the clinical significance of this alteration remains unclear.